The following is an entry in ClinVar:

NM_017654.4(SAMD9):c.1535C>T (p.Ser512Phe)

Gene: SAMD9 (sterile alpha motif domain containing 9; minus strand). Cytogenetic location: 7q21.2.
Variant type: single nucleotide variant.
Coding change: c.1535C>T on transcript NM_017654.4 (MANE Select); coding-DNA position 1535, C replaced by T.
Protein change: p.Ser512Phe; replaces serine 512 with phenylalanine.
Molecular consequence: missense variant.
Genome position (GRCh38, 1-based): chr7:93,104,563, G>A on the plus strand (C>T on the coding strand, the complement: SAMD9 is on the minus strand). VCF-style: chr7-93104563-G-A. GRCh37 (hg19) VCF-style: chr7-92733876-G-A.
Other names: c.1535C>T, p.Ser512Phe (NM_001193307.2); short protein forms S512F.
Identifiers: ClinVar variation 3437066 (VCV003437066.1).

ClinVar aggregate classification (germline): Uncertain significance (1 of 4 stars; one submission).

Conditions:
Inborn genetic diseases. Identifiers: MedGen C0950123, MeSH D030342.

Submission:

Ambry Genetics
Classification: Uncertain significance for Inborn genetic diseases. Last evaluated: 2024-12-01. Review status: criteria provided, single submitter. Criteria: Ambry Variant Classification Scheme 2023. Collection method: clinical testing. Allele origin: germline.
Comment: The p.S512F variant (also known as c.1535C>T), located in coding exon 1 of the SAMD9 gene, results from a C to T substitution at nucleotide position 1535. The serine at codon 512 is replaced by phenylalanine, an amino acid with highly dissimilar properties. This amino acid position is conserved. In addition, this alteration is predicted to be tolerated by in silico analysis. Based on the available evidence, the clinical significance of this variant remains unclear.